The following is an entry in ClinVar:

NM_001396959.1(TBC1D1):c.2752C>G (p.Pro918Ala)

Gene: TBC1D1 (TBC1 domain family member 1; plus strand). Cytogenetic location: 4p14.
Variant type: single nucleotide variant.
Coding change: c.2752C>G on transcript NM_001396959.1 (MANE Select); coding-DNA position 2752, C replaced by G.
Protein change: p.Pro918Ala; replaces proline 918 with alanine.
Molecular consequence: missense variant.
Genome position (GRCh38, 1-based): chr4:38,103,070, C>G. VCF-style: chr4-38103070-C-G. GRCh37 (hg19) VCF-style: chr4-38104691-C-G.
Other names: c.2752C>G, p.Pro918Ala (NM_001253912.2); c.2470C>G, p.Pro824Ala (NM_015173.4); c.2470C>G (NM_015173.3); short protein forms P918A, P824A.
Identifiers: ClinVar variation 3174364 (VCV003174364.3), dbSNP rs142187678, ClinGen allele CA2888105.
Genomic context (GRCh38, chr4:38,103,070, plus strand): 5'-CATCACCGAGGTGAAATCTGGAAATTTCTAGCTGAGCAATTCCACCTTAAACACCAGTTT[C>G]CCAGCAAACAGCAGCCAAAGGATGTGCCATACAAAGAACTCTTAAAGCAGCTGACTTCCC-3'
Protein context (NP_001383888.1, residues 908-928): AEQFHLKHQF[Pro918Ala]SKQQPKDVPY

ClinVar aggregate classification (germline): Uncertain significance. Review status: criteria provided, multiple submitters, no conflicts (2 of 4 stars). 2 submissions from 2 submitters: Uncertain significance (2). Last evaluated 2025-11-12.

Conditions:
Inborn genetic diseases. Identifiers: MedGen C0950123, MeSH D030342.
TBC1D1-related disorder. Also called: TBC1D1-related condition.

Allele frequency attached by ClinVar (database versions not stated): gnomAD 0.00005; ESP Exome Variant Server 0.00008.
gnomAD v4.1: 14 of 1,614,028 alleles (0.00087%); highest among the groups gnomAD compares: African/African-American, 0.016%; no homozygotes.

Submissions (2):

Ambry Genetics
Classification: Uncertain significance for Inborn genetic diseases. Last evaluated: 2025-11-12. Review status: criteria provided, single submitter. Criteria: Ambry Variant Classification Scheme 2023. Collection method: clinical testing. Allele origin: germline.

PreventionGenetics, part of Exact Sciences
Classification: Uncertain significance for TBC1D1-related condition. Last evaluated: 2025-05-02. Review status: criteria provided, single submitter. Criteria: ACMG Guidelines, 2015. Collection method: clinical testing. Allele origin: germline.
Comment: The TBC1D1 c.2470C>G variant is predicted to result in the amino acid substitution p.Pro824Ala. To our knowledge, this variant has not been reported in the literature. This variant is reported in 0.024% of alleles in individuals of African descent in gnomAD. At this time, the clinical significance of this variant is uncertain due to the absence of conclusive functional and genetic evidence.